The following is an entry in ClinVar:

NM_015450.3(POT1):c.363G>C (p.Lys121Asn)

Gene: POT1 (protection of telomeres 1; minus strand). Cytogenetic location: 7q31.33.
Variant type: single nucleotide variant.
Coding change: c.363G>C on transcript NM_015450.3 (MANE Select); coding-DNA position 363, G replaced by C.
Protein change: p.Lys121Asn; replaces lysine 121 with asparagine.
Molecular consequence: missense variant. On other transcripts: 5 prime UTR variant (1), non-coding transcript variant (3).
Genome position (GRCh38, 1-based): chr7:124,863,533, C>G on the plus strand (G>C on the coding strand, the complement: POT1 is on the minus strand). VCF-style: chr7-124863533-C-G. GRCh37 (hg19) VCF-style: chr7-124503587-C-G.
Other names: c.-31G>C (NM_001042594.2); short protein forms K121N.
Identifiers: ClinVar variation 939178 (VCV000939178.10), dbSNP rs1473942617, ClinGen allele CA369059854.

ClinVar aggregate classification (germline): Uncertain significance (1 of 4 stars; one submission).

Conditions:
Tumor predisposition syndrome 3 (TPDS3). Also called: Glioma susceptibility 9; LONG TELOMERE SYNDROME, POT1-RELATED; POT1 Tumor Predisposition; Melanoma, cutaneous malignant, susceptibility to, 10. Identifiers: Orphanet 618, MedGen C4014476, MONDO:0014368, OMIM 615848.

Allele frequency attached by ClinVar (database versions not stated): TOPMed below 0.00001.
gnomAD v4.1: 1 of 1,613,944 alleles (0.000062%); highest among the groups gnomAD compares: African/African-American, 0.0013%; no homozygotes.

Submission:

Labcorp Genetics (formerly Invitae), Labcorp
Classification: Uncertain significance for Tumor predisposition syndrome 3. Last evaluated: 2025-10-10. Review status: criteria provided, single submitter. Criteria: Invitae Variant Classification Sherloc (09022015). Collection method: clinical testing. Allele origin: germline.
Comment: This sequence change replaces lysine, which is basic and polar, with asparagine, which is neutral and polar, at codon 121 of the POT1 protein (p.Lys121Asn). This variant is not present in population databases (gnomAD no frequency). This variant has not been reported in the literature in individuals affected with POT1-related conditions. ClinVar contains an entry for this variant (Variation ID: 939178). Invitae Evidence Modeling of protein sequence and biophysical properties (such as structural, functional, and spatial information, amino acid conservation, physicochemical variation, residue mobility, and thermodynamic stability) indicates that this missense variant is not expected to disrupt POT1 protein function with a negative predictive value of 80%. In summary, the available evidence is currently insufficient to determine the role of this variant in disease. Therefore, it has been classified as a Variant of Uncertain Significance.